The following is an entry in ClinVar:

ClinVar aggregate classification (germline): Likely benign (0 of 4 stars; one submission).

Conditions:
MAP4-related disorder. Also called: MAP4-related condition.

Allele frequency attached by ClinVar (database versions not stated): TOPMed 0.00016; ESP Exome Variant Server 0.00031; ExAC 0.00003; gnomAD 0.00013; gnomAD exomes 0.00001.
gnomAD v4.1: 26 of 1,614,002 alleles (0.0016%); highest among the groups gnomAD compares: African/African-American, 0.033%; no homozygotes.

Submission:

PreventionGenetics, part of Exact Sciences
Classification: Likely benign for MAP4-related condition. Last evaluated: 2019-03-25. Review status: no assertion criteria provided. Collection method: clinical testing. Allele origin: germline.
Comment: This variant is classified as likely benign based on ACMG/AMP sequence variant interpretation guidelines (Richards et al. 2015 PMID: 25741868, with internal and published modifications).

NM_001385682.1(MAP4):c.300A>G (p.Pro100=)

Gene: MAP4 (microtubule associated protein 4; minus strand). Cytogenetic location: 3p21.31.
Variant type: single nucleotide variant.
Coding change: c.300A>G on transcript NM_001385682.1 (MANE Select); coding-DNA position 300, A replaced by G.
Protein change: p.Pro100=; no amino-acid change (proline 100 retained).
Molecular consequence: synonymous variant. On other transcripts: 5 prime UTR variant (4), intron variant (1).
Genome position (GRCh38, 1-based): chr3:47,928,343, T>C on the plus strand (A>G on the coding strand, the complement: MAP4 is on the minus strand). VCF-style: chr3-47928343-T-C. GRCh37 (hg19) VCF-style: chr3-47969833-T-C.
Other names: c.300A>G, p.Pro100= (NM_001134364.2, NM_001384675.1, NM_001384676.1 and 82 more transcripts); c.336A>G, p.Pro112= (NM_001384678.1, NM_001384738.1, NM_001384745.1 and 6 more transcripts); c.231A>G, p.Pro77= (NM_001384680.1, NM_001384730.1, NM_001384746.1 and 17 more transcripts); c.351A>G, p.Pro117= (NM_001384731.1, NM_001384736.1, NM_001384744.1 and 14 more transcripts); c.387A>G, p.Pro129= (NM_001384795.1); c.-22A>G (NM_001384839.1, NM_001384845.1, NM_001384862.1 and 1 more transcripts); c.384A>G, p.Pro128= (NM_001384849.1, NM_001384863.1); c.293-9502A>G (NM_001384807.1).
Identifiers: ClinVar variation 3047450 (VCV003047450.2), dbSNP rs139731146, ClinGen allele CA2371684.
Genomic context (GRCh38, chr3:47,928,343, plus strand): 5'-TGGCCAGTTCTGGCTATTTGGGTATTCCTGGTAGGCCATTTTCTCTTCAAGGAATTCAGT[T>C]GGAGACCCTTAAAATAGAGACACAAAACAAAAGTTACAAGATATTACAGTTTTCTCCTCC-3'
Protein context (NP_001372611.1, residues 90-110): GVEGSDTTGS[Pro100=]TEFLEEKMAY